The following is an entry in ClinVar:

ClinVar aggregate classification (germline): Uncertain significance (1 of 4 stars; one submission).

Conditions:
Joubert syndrome. Also called: JOUBERT-BOLTSHAUSER SYNDROME; Familial aplasia of the vermis. Identifiers: Orphanet 475, MedGen C5979921, MONDO:0018772.
Meckel-Gruber syndrome. Also called: DYSENCEPHALIA SPLANCHNOCYSTICA; GRUBER SYNDROME; Dysencephalia splachnocystica. Identifiers: Orphanet 564, MedGen C0265215, MONDO:0018921.

Submission:

Labcorp Genetics (formerly Invitae), Labcorp
Classification: Uncertain significance for Joubert syndrome; Meckel-Gruber syndrome. Last evaluated: 2023-10-30. Review status: criteria provided, single submitter. Criteria: Invitae Variant Classification Sherloc (09022015). Collection method: clinical testing. Allele origin: germline.
Comment: This sequence change falls in intron 14 of the CC2D2A gene. It does not directly change the encoded amino acid sequence of the CC2D2A protein. It affects a nucleotide within the consensus splice site. This variant is not present in population databases (gnomAD no frequency). This variant has not been reported in the literature in individuals affected with CC2D2A-related conditions. Variants that disrupt the consensus splice site are a relatively common cause of aberrant splicing (PMID: 17576681, 9536098). Algorithms developed to predict the effect of sequence changes on RNA splicing suggest that this variant may disrupt the consensus splice site. In summary, the available evidence is currently insufficient to determine the role of this variant in disease. Therefore, it has been classified as a Variant of Uncertain Significance.

Literature cited by the submitters: PubMed 17576681; PubMed 9536098.

NM_001378615.1(CC2D2A):c.1466+4A>C

Genes: FBXL5 (F-box and leucine rich repeat protein 5; minus strand), CC2D2A (coiled-coil and C2 domain containing 2A; plus strand). Cytogenetic location: 4p15.32.
Variant type: single nucleotide variant.
Coding change: c.1466+4A>C on transcript NM_001378615.1 (MANE Select); 4 bases into the intron after coding-DNA position 1466, A replaced by C.
Molecular consequence: intron variant.
Genome position (GRCh38, 1-based): chr4:15,528,730, A>C. VCF-style: chr4-15528730-A-C. GRCh37 (hg19) VCF-style: chr4-15530353-A-C.
Other names: c.1466+4A>C (NM_001080522.2); c.1319+4A>C (NM_001378617.1).
Identifiers: ClinVar variation 2949844 (VCV002949844.3), dbSNP rs2474955295, ClinGen allele CA2740091226.